The following is an entry in ClinVar:

ClinVar aggregate classification (germline): Uncertain significance (1 of 4 stars; one submission).

Conditions:
Hyperekplexia 3 (HKPX3). Also called: HYPEREKPLEXIA 3, AUTOSOMAL RECESSIVE; HYPEREKPLEXIA 3, AUTOSOMAL DOMINANT. Identifiers: Orphanet 3197, MedGen C3553288, MONDO:0013827, OMIM 614618.

Submission:

Labcorp Genetics (formerly Invitae), Labcorp
Classification: Uncertain significance for Hyperekplexia 3. Last evaluated: 2025-02-17. Review status: criteria provided, single submitter. Criteria: Invitae Variant Classification Sherloc (09022015). Collection method: clinical testing. Allele origin: germline.
Comment: This sequence change replaces threonine, which is neutral and polar, with isoleucine, which is neutral and non-polar, at codon 600 of the SLC6A5 protein (p.Thr600Ile). This variant is not present in population databases (gnomAD no frequency). This variant has not been reported in the literature in individuals affected with SLC6A5-related conditions. ClinVar contains an entry for this variant (Variation ID: 2013358). Invitae Evidence Modeling of protein sequence and biophysical properties (such as structural, functional, and spatial information, amino acid conservation, physicochemical variation, residue mobility, and thermodynamic stability) indicates that this missense variant is not expected to disrupt SLC6A5 protein function with a negative predictive value of 95%. In summary, the available evidence is currently insufficient to determine the role of this variant in disease. Therefore, it has been classified as a Variant of Uncertain Significance.

NM_004211.5(SLC6A5):c.1799C>T (p.Thr600Ile)

Gene: SLC6A5 (solute carrier family 6 member 5; plus strand). Cytogenetic location: 11p15.1.
Variant type: single nucleotide variant.
Coding change: c.1799C>T on transcript NM_004211.5 (MANE Select); coding-DNA position 1799, C replaced by T.
Protein change: p.Thr600Ile; replaces threonine 600 with isoleucine.
Molecular consequence: missense variant.
Genome position (GRCh38, 1-based): chr11:20,637,233, C>T. VCF-style: chr11-20637233-C-T. GRCh37 (hg19) VCF-style: chr11-20658779-C-T.
Other names: c.1097C>T, p.Thr366Ile (NM_001318369.2); short protein forms T600I, T366I.
Identifiers: ClinVar variation 2013358 (VCV002013358.3), dbSNP rs1853225986, ClinGen allele CA379918199.
Genomic context (GRCh38, chr11:20,637,233, plus strand): 5'-TTGCCACCATCGAGACCATAGTGACCTCCATCTCAGACGAGTTTCCCAAGTACCTACGCA[C>T]ACACAAGCCAGTGTTTACTCTGGGCTGCTGCATTTGTTTCTTCATCATGGGTTTTCCAAT-3'
Protein context (NP_004202.4, residues 590-610): ISDEFPKYLR[Thr600Ile]HKPVFTLGCC